The following is an entry in ClinVar:

ClinVar aggregate classification (germline): Uncertain significance (1 of 4 stars; one submission).

Submission:

Ambry Genetics
Classification: Uncertain significance. Last evaluated: 2022-01-10. Review status: criteria provided, single submitter. Criteria: Ambry Variant Classification Scheme 2023. Collection method: clinical testing. Allele origin: germline.
Comment: The p.E2167A variant (also known as c.6500A>C), located in coding exon 12 of the ALPK2 gene, results from an A to C substitution at nucleotide position 6500. The glutamic acid at codon 2167 is replaced by alanine, an amino acid with dissimilar properties. This amino acid position is conserved. In addition, this alteration is predicted to be tolerated by in silico analysis. Since supporting evidence is limited at this time, the clinical significance of this alteration remains unclear.

NM_052947.4(ALPK2):c.6500A>C (p.Glu2167Ala)

Gene: ALPK2 (alpha kinase 2; minus strand). Cytogenetic location: 18q21.31.
Variant type: single nucleotide variant.
Coding change: c.6500A>C on transcript NM_052947.4 (MANE Select); coding-DNA position 6500, A replaced by C.
Protein change: p.Glu2167Ala; replaces glutamic acid 2167 with alanine.
Molecular consequence: missense variant.
Genome position (GRCh38, 1-based): chr18:58,481,836, T>G on the plus strand (A>C on the coding strand, the complement: ALPK2 is on the minus strand). VCF-style: chr18-58481836-T-G. GRCh37 (hg19) VCF-style: chr18-56149068-T-G.
Other names: short protein forms E2167A.
Identifiers: ClinVar variation 1753915 (VCV001753915.2), dbSNP rs2051312795, ClinGen allele CA402538141.